The following is an entry in ClinVar:

ClinVar aggregate classification (germline): Benign. Review status: criteria provided, multiple submitters, no conflicts (2 of 4 stars). 2 submissions from 2 submitters: Benign (2). Last evaluated 2025-02-16.

Conditions:
Leigh syndrome (NULS). Also called: Leigh's necrotizing encephalopathy; Leigh's disease; Leigh Syndrome (mtDNA deletion); Leigh Disease; Subacute necrotizing encephalopathy; Necrotizing encephalopathy infantile subacute of Leigh. Identifiers: Orphanet 506, MedGen C2931891, MONDO:0009723, OMIM 256000.

Submissions (2):

Laboratory of Genetics, Children's Clinical University Hospital Latvia
Classification: Benign. Last evaluated: 2025-02-16. Review status: criteria provided, single submitter. Criteria: ACMG Guidelines, 2015. Collection method: clinical testing. Allele origin: germline. Affected: yes.

Wong Mito Lab, Molecular and Human Genetics, Baylor College of Medicine
Classification: Benign for Leigh syndrome. Last evaluated: 2019-10-17. Review status: criteria provided, single submitter. Criteria: Modified ACMG Guidelines (Unpublished). Collection method: clinical testing. Allele origin: germline.
Comment: The NC_012920.1:m.9667A>G (YP_003024032.1:p.Asn154Ser) variant in MTCO3 gene is interpretated to be a Benign variant based on the modified ACMG guidelines (unpublished). This variant meets the following evidence codes: BA1

NC_012920.1(MT-CO3):m.9667A>G

Gene: MT-CO3 (mitochondrially encoded cytochrome c oxidase III; plus strand).
Variant type: single nucleotide variant.
Genome position: chrM-9667-A-G.
Identifiers: ClinVar variation 693203 (VCV000693203.2), dbSNP rs41482146, ClinGen allele CA337098519.
Genomic context (GRCh38, chrMT:9,667, plus strand): 5'-CATCCGTATTACTCGCATCAGGAGTATCAATCACCTGAGCTCACCATAGTCTAATAGAAA[A>G]CAACCGAAACCAAATAATTCAAGCACTGCTTATTACAATTTTACTGGGTCTCTATTTTAC-3'